The following is an entry in ClinVar:

NM_001267550.2(TTN):c.66744T>A (p.Asp22248Glu)

Genes: TTN (titin; minus strand), TTN-AS1 (TTN antisense RNA 1; plus strand). Cytogenetic location: 2q31.2.
Variant type: single nucleotide variant.
Coding change: c.66744T>A on transcript NM_001267550.2 (MANE Select); coding-DNA position 66744, T replaced by A.
Protein change: p.Asp22248Glu; replaces aspartic acid 22248 with glutamic acid.
Molecular consequence: missense variant.
Genome position (GRCh38, 1-based): chr2:178,581,524, A>T on the plus strand (T>A on the coding strand, the complement: TTN is on the minus strand). VCF-style: chr2-178581524-A-T. GRCh37 (hg19) VCF-style: chr2-179446251-A-T.
Other names: c.61821T>A, p.Asp20607Glu (NM_001256850.1); c.39549T>A, p.Asp13183Glu (NM_003319.4); c.59040T>A, p.Asp19680Glu (NM_133378.4); c.39924T>A, p.Asp13308Glu (NM_133432.3); c.40125T>A, p.Asp13375Glu (NM_133437.4); short protein forms D19680E, D13183E, D13308E, D13375E, D20607E, D22248E.
Identifiers: ClinVar variation 1736463 (VCV001736463.2), dbSNP rs2047745662, ClinGen allele CA349428104.
Genomic context (GRCh38, chr2:178,581,524, plus strand): 5'-GAAAAGCCTTATGTACTCCCCCTGGTAATACTTACTTAAGATGTCCTTGGGATAGTGTTT[A>T]TCTGGCACATCACTGGGGTCACTGTATCCAATCTTATTAACGGCATACACACGGAATTGA-3'
Protein context (NP_001254479.2, residues 22238-22258): IGYSDPSDVP[Asp22248Glu]KHYPKDILIP

ClinVar aggregate classification (germline): Uncertain significance (1 of 4 stars; one submission).

Conditions:
Cardiovascular phenotype. Identifiers: MedGen CN230736.

Allele frequency attached by ClinVar (database versions not stated): TOPMed 0.00001.
gnomAD v4.1: 1 of 1,605,286 alleles (0.000062%); no homozygotes.

Submission:

Ambry Genetics
Classification: Uncertain significance for Cardiovascular phenotype. Last evaluated: 2018-12-11. Review status: criteria provided, single submitter. Criteria: Ambry Variant Classification Scheme 2023. Collection method: clinical testing. Allele origin: germline.
Comment: The p.D13183E variant (also known as c.39549T>A), located in coding exon 143 of the TTN gene, results from a T to A substitution at nucleotide position 39549. The aspartic acid at codon 13183 is replaced by glutamic acid, an amino acid with highly similar properties. This amino acid position is not well conserved in available vertebrate species, and glutamic acid is the reference amino acid in other vertebrate species. In addition, this alteration is predicted to be tolerated by in silico analysis. Since supporting evidence is limited at this time, the clinical significance of this alteration remains unclear.